The following is an entry in ClinVar:

ClinVar aggregate classification (germline): Pathogenic/Likely pathogenic. Review status: criteria provided, multiple submitters, no conflicts (2 of 4 stars). 4 submissions from 4 submitters: Pathogenic (2); Likely pathogenic (1). 1 of the submissions does not count toward it. Last evaluated 2025-04-23.

Conditions:
Oculocutaneous albinism. Identifiers: Orphanet 55, MedGen C0078918, MONDO:0018910.
Oculocutaneous albinism type 1. Also called: Albinism 1; ALBINISM I. Identifiers: Orphanet 352731, MedGen C0268494, MONDO:0018135. Disease mechanism: loss of function.

Allele frequency attached by ClinVar (database versions not stated): gnomAD exomes below 0.00001; ExAC 0.00001; ESP Exome Variant Server 0.00008.
gnomAD v4.1: 4 of 1,613,428 alleles (0.00025%); highest among the groups gnomAD compares: Non-Finnish European, 0.00034%; no homozygotes.

Submissions (4):

Myriad Genetics, Inc.
Classification: Likely pathogenic for Oculocutaneous albinism type 1. Last evaluated: 2025-04-23. Review status: criteria provided, single submitter. Criteria: Myriad Autosomal Dominant, Autosomal Recessive and X-Linked Classification Criteria (2023). Collection method: clinical testing. Allele origin: unknown.
Comment: NM_000372.4(TYR):c.1168C>G(H390D) is a missense variant classified as likely pathogenic in the context of oculocutaneous albinism, TYR-related. H390D has been observed in cases with relevant disease (PMID: 31077556, 19865097, 9259202, 34838614). Relevant functional assessments of this variant are not available in the literature. H390D has been observed in referenced population frequency databases. In summary, NM_000372.4(TYR):c.1168C>G(H390D) is a missense variant that has been observed more frequently in cases with the relevant disease than in healthy populations. Please note: this variant was assessed in the context of healthy population screening.

Labcorp Genetics (formerly Invitae), Labcorp
Classification: Pathogenic. Last evaluated: 2023-11-08. Review status: criteria provided, single submitter. Criteria: Invitae Variant Classification Sherloc (09022015). Collection method: clinical testing. Allele origin: germline.
Comment: This sequence change replaces histidine, which is basic and polar, with aspartic acid, which is acidic and polar, at codon 390 of the TYR protein (p.His390Asp). This variant is present in population databases (rs62645914, gnomAD 0.0009%). This missense change has been observed in individual(s) with ocular albinism (PMID: 9259202, 19865097, 31077556, 34838614). ClinVar contains an entry for this variant (Variation ID: 99539). Advanced modeling of protein sequence and biophysical properties (such as structural, functional, and spatial information, amino acid conservation, physicochemical variation, residue mobility, and thermodynamic stability) performed at Invitae indicates that this missense variant is expected to disrupt TYR protein function with a positive predictive value of 80%. For these reasons, this variant has been classified as Pathogenic.

Women's Health and Genetics/Laboratory Corporation of America, LabCorp
Classification: Pathogenic for Oculocutaneous albinism. Last evaluated: 2023-04-25. Review status: criteria provided, single submitter. Criteria: LabCorp Variant Classification Summary - May 2015. Collection method: clinical testing. Allele origin: germline.
Comment: Variant summary: TYR c.1168C>G (p.His390Asp) results in a non-conservative amino acid change located in the Tyrosinase copper-binding domain (IPR002227) of the encoded protein sequence. Five of five in-silico tools predict a damaging effect of the variant on protein function. The variant allele was found at a frequency of 4e-06 in 251072 control chromosomes (gnomAD). c.1168C>G has been reported in the literature in multiple individuals affected with Oculocutaneous Albinism (e.g. Hutton_2008, Wei_2010, Wei_2011, Zhong_2019). These data indicate that the variant is very likely to be associated with disease. The following publications have been ascertained in the context of this evaluation (PMID: 18463683, 21458243, 19865097, 31077556). No clinical diagnostic laboratories have submitted clinical-significance assessments for this variant to ClinVar after 2014. Based on the evidence outlined above, the variant was classified as pathogenic.

Retina International
No classification provided. Review status: no classification provided. Collection method: not provided. Allele origin: not provided. Not counted in ClinVar's aggregate classification.

Literature cited by the submitters: PubMed 19865097 (cited by 3 submitters); PubMed 31077556 (cited by 3 submitters); PubMed 34838614 (cited by Myriad Genetics, Inc. and Labcorp Genetics (formerly Invitae), Labcorp); PubMed 9259202 (cited by Myriad Genetics, Inc. and Labcorp Genetics (formerly Invitae), Labcorp); PubMed 18463683 (cited by Women's Health and Genetics/Laboratory Corporation of America, LabCorp); PubMed 21458243 (cited by Women's Health and Genetics/Laboratory Corporation of America, LabCorp).

NM_000372.5(TYR):c.1168C>G (p.His390Asp)

Gene: TYR (tyrosinase; plus strand). Cytogenetic location: 11q14.3.
Variant type: single nucleotide variant.
Coding change: c.1168C>G on transcript NM_000372.5 (MANE Select); coding-DNA position 1168, C replaced by G.
Protein change: p.His390Asp; replaces histidine 390 with aspartic acid.
Molecular consequence: missense variant.
Genome position (GRCh38, 1-based): chr11:89,227,954, C>G. VCF-style: chr11-89227954-C-G. GRCh37 (hg19) VCF-style: chr11-88961122-C-G.
Other names: short protein forms H390D.
Identifiers: ClinVar variation 99539 (VCV000099539.6), dbSNP rs62645914, ClinGen allele CA227510.